The following is an entry in ClinVar:

NM_025074.7(FRAS1):c.3843G>A (p.Leu1281=)

Gene: FRAS1 (Fraser extracellular matrix complex subunit 1; plus strand). Cytogenetic location: 4q21.21.
Variant type: single nucleotide variant.
Coding change: c.3843G>A on transcript NM_025074.7 (MANE Select); coding-DNA position 3843, G replaced by A.
Protein change: p.Leu1281=; no amino-acid change (leucine 1281 retained).
Molecular consequence: synonymous variant.
Genome position (GRCh38, 1-based): chr4:78,387,569, G>A. VCF-style: chr4-78387569-G-A. GRCh37 (hg19) VCF-style: chr4-79308723-G-A.
Other names: c.3843G>A, p.Leu1281= (NM_001166133.2); c.3843G>A (NM_025074.6).
Identifiers: ClinVar variation 2055681 (VCV002055681.5), dbSNP rs369004165, ClinGen allele CA2977031.

ClinVar aggregate classification (germline): Likely benign. Review status: criteria provided, multiple submitters, no conflicts (2 of 4 stars). 2 submissions from 2 submitters: Likely benign (2). Last evaluated 2025-09-11.

Conditions:
FRAS1-related disorder. Also called: FRAS1-related condition.

Allele frequency attached by ClinVar (database versions not stated): gnomAD exomes 0.00006; gnomAD 0.00007; ESP Exome Variant Server 0.00008; ExAC 0.00011; TOPMed 0.00013.
gnomAD v4.1: 105 of 1,613,620 alleles (0.0065%); highest among the groups gnomAD compares: Admixed American, 0.048%; no homozygotes.

Submissions (2):

PreventionGenetics, part of Exact Sciences
Classification: Likely benign for FRAS1-related condition. Last evaluated: 2025-09-11. Review status: criteria provided, single submitter. Criteria: ACMG Guidelines, 2015. Collection method: clinical testing. Allele origin: germline.
Comment: This variant is classified as likely benign based on ACMG/AMP sequence variant interpretation guidelines (Richards et al. 2015 PMID: 25741868, with internal and published modifications).

Labcorp Genetics (formerly Invitae), Labcorp
Classification: Likely benign. Last evaluated: 2025-06-12. Review status: criteria provided, single submitter. Criteria: Invitae Variant Classification Sherloc (09022015). Collection method: clinical testing. Allele origin: germline.